The following is an entry in ClinVar:

ClinVar aggregate classification (germline): Uncertain significance (0 of 4 stars; one submission).

Conditions:
PLXNA2-related disorder. Also called: PLXNA2-related condition.

gnomAD v4.1: 1 of 1,612,916 alleles (0.000062%); highest among the groups gnomAD compares: Non-Finnish European, 0.000085%; no homozygotes.

Submission:

PreventionGenetics, part of Exact Sciences
Classification: Uncertain significance for PLXNA2-related condition. Last evaluated: 2024-08-06. Review status: no assertion criteria provided. Collection method: clinical testing. Allele origin: germline.
Comment: The PLXNA2 c.1406A>C variant is predicted to result in the amino acid substitution p.Gln469Pro. To our knowledge, this variant has not been reported in the literature or in a large population database, indicating this variant is rare. At this time, the clinical significance of this variant is uncertain due to the absence of conclusive functional and genetic evidence.

NM_025179.4(PLXNA2):c.1406A>C (p.Gln469Pro)

Gene: PLXNA2 (plexin A2; minus strand). Cytogenetic location: 1q32.2.
Variant type: single nucleotide variant.
Coding change: c.1406A>C on transcript NM_025179.4 (MANE Select); coding-DNA position 1406, A replaced by C.
Protein change: p.Gln469Pro; replaces glutamine 469 with proline.
Molecular consequence: missense variant.
Genome position (GRCh38, 1-based): chr1:208,142,429, T>G on the plus strand (A>C on the coding strand, the complement: PLXNA2 is on the minus strand). VCF-style: chr1-208142429-T-G. GRCh37 (hg19) VCF-style: chr1-208315774-T-G.
Other names: short protein forms Q469P.
Identifiers: ClinVar variation 3354251 (VCV003354251.1).